The following is an entry in ClinVar:

ClinVar aggregate classification (germline): Benign. Review status: criteria provided, multiple submitters, no conflicts (2 of 4 stars). 4 submissions from 4 submitters: Benign (4). Last evaluated 2025-12-19.

Conditions:
Inborn genetic diseases. Identifiers: MedGen C0950123, MeSH D030342.
Rafiq syndrome (RAFQS). Identifiers: Orphanet 88616, MedGen C3280127, MONDO:0013624, OMIM 614202.

Allele frequency attached by ClinVar (database versions not stated): gnomAD exomes 0.00031 and 0.00083; ExAC 0.00106; gnomAD 0.00306 and 0.00329; 1000 Genomes Project 0.00339; 1000 Genomes Project 30x 0.00359; TOPMed 0.00365; ESP Exome Variant Server 0.00423.
gnomAD v4.1: 932 of 1,613,362 alleles (0.058%); highest among the groups gnomAD compares: African/African-American, 1.1%; 4 homozygotes.

Submissions (15):

Labcorp Genetics (formerly Invitae), Labcorp
Classification: Benign for Rafiq syndrome. Last evaluated: 2025-12-19. Review status: criteria provided, single submitter. Criteria: Invitae Variant Classification Sherloc (09022015). Collection method: clinical testing. Allele origin: germline.

CeGaT Center for Human Genetics Tuebingen
Classification: Benign. Last evaluated: 2022-12-01. Review status: criteria provided, single submitter. Criteria: CeGaT Center For Human Genetics Tuebingen Variant Classification Criteria Version 2. Collection method: clinical testing. Allele origin: germline. Affected: yes. Observed: 1 variant allele.
Comment: MAN1B1: BS1, BS2

Illumina Laboratory Services, Illumina
Classification: Benign for Rafiq syndrome. Last evaluated: 2018-01-12. Review status: criteria provided, single submitter. Criteria: ICSL Variant Classification Criteria 13 December 2019. Collection method: clinical testing. Allele origin: germline.
Comment: This variant was observed in the ICSL laboratory as part of a predisposition screen in an ostensibly healthy population. It had not been previously curated by ICSL or reported in the Human Gene Mutation Database (HGMD: prior to June 1st, 2018), and was therefore a candidate for classification through an automated scoring system. Utilizing variant allele frequency, disease prevalence and penetrance estimates, and inheritance mode, an automated score was calculated to assess if this variant is too frequent to cause the disease. Based on the score and internal cut-off values, a variant classified as benign is not then subjected to further curation. The score for this variant resulted in a classification of benign for this disease.

Ambry Genetics
Classification: Benign for Inborn genetic diseases. Last evaluated: 2016-12-16. Review status: criteria provided, single submitter. Criteria: Ambry Variant Classification Scheme 2023. Collection method: clinical testing. Allele origin: germline.

Dr. Peter K. Rogan Lab, Western University
No classification provided (evidence only). Condition: Clear cell carcinoma of kidney. Review status: no classification provided. Collection method: in vitro. Allele origin: not applicable. Functional consequence: cryptic splice site, retained intron. Not counted in ClinVar's aggregate classification.

Dr. Peter K. Rogan Lab, Western University
No classification provided (evidence only). Condition: Lung cancer. Review status: no classification provided. Collection method: in vitro. Allele origin: not applicable. Functional consequence: cryptic splice site, retained intron. Not counted in ClinVar's aggregate classification.

Dr. Peter K. Rogan Lab, Western University
No classification provided (evidence only). Condition: Familial cancer of breast. Review status: no classification provided. Collection method: in vitro. Allele origin: not applicable. Functional consequence: cryptic splice site, retained intron. Not counted in ClinVar's aggregate classification.

Dr. Peter K. Rogan Lab, Western University
No classification provided (evidence only). Condition: Familial cancer of breast. Review status: no classification provided. Collection method: in vitro. Allele origin: not applicable. Functional consequence: cryptic splice site, retained intron. Not counted in ClinVar's aggregate classification.

Dr. Peter K. Rogan Lab, Western University
No classification provided (evidence only). Condition: Familial cancer of breast. Review status: no classification provided. Collection method: in vitro. Allele origin: not applicable. Functional consequence: cryptic splice site, retained intron. Not counted in ClinVar's aggregate classification.

Dr. Peter K. Rogan Lab, Western University
No classification provided (evidence only). Condition: Familial cancer of breast. Review status: no classification provided. Collection method: in vitro. Allele origin: not applicable. Functional consequence: cryptic splice site, retained intron. Not counted in ClinVar's aggregate classification.

Dr. Peter K. Rogan Lab, Western University
No classification provided (evidence only). Condition: Acute myeloid leukemia. Review status: no classification provided. Collection method: in vitro. Allele origin: not applicable. Functional consequence: cryptic splice site, retained intron. Not counted in ClinVar's aggregate classification.

Dr. Peter K. Rogan Lab, Western University
No classification provided (evidence only). Condition: Uterine corpus endometrial carcinoma. Review status: no classification provided. Collection method: in vitro. Allele origin: not applicable. Functional consequence: cryptic splice site. Not counted in ClinVar's aggregate classification.

Dr. Peter K. Rogan Lab, Western University
No classification provided (evidence only). Condition: Cervical cancer. Review status: no classification provided. Collection method: in vitro. Allele origin: not applicable. Functional consequence: cryptic splice site, retained intron. Not counted in ClinVar's aggregate classification.

Dr. Peter K. Rogan Lab, Western University
No classification provided (evidence only). Condition: Sarcoma. Review status: no classification provided. Collection method: in vitro. Allele origin: not applicable. Functional consequence: cryptic splice site, retained intron. Not counted in ClinVar's aggregate classification.

Dr. Peter K. Rogan Lab, Western University
No classification provided (evidence only). Condition: Ovarian serous cystadenocarcinoma. Review status: no classification provided. Collection method: in vitro. Allele origin: not applicable. Functional consequence: retained intron. Not counted in ClinVar's aggregate classification.

NM_016219.5(MAN1B1):c.1761C>G (p.Val587=)

Gene: MAN1B1 (mannosidase alpha class 1B member 1; plus strand). Cytogenetic location: 9q34.3.
Variant type: single nucleotide variant.
Coding change: c.1761C>G on transcript NM_016219.5 (MANE Select); coding-DNA position 1761, C replaced by G.
Protein change: p.Val587=; no amino-acid change (valine 587 retained).
Molecular consequence: synonymous variant. On other transcripts: non-coding transcript variant (2).
Genome position (GRCh38, 1-based): chr9:137,107,444, C>G. VCF-style: chr9-137107444-C-G. GRCh37 (hg19) VCF-style: chr9-140001896-C-G.
Identifiers: ClinVar variation 365970 (VCV000365970.44), dbSNP rs115889896, ClinGen allele CA5359363.